The following is an entry in ClinVar:

ClinVar aggregate classification (germline): Uncertain significance (1 of 4 stars; one submission).

Submission:

Labcorp Genetics (formerly Invitae), Labcorp
Classification: Uncertain significance. Last evaluated: 2022-07-12. Review status: criteria provided, single submitter. Criteria: Invitae Variant Classification Sherloc (09022015). Collection method: clinical testing. Allele origin: germline.
Comment: Experimental studies and prediction algorithms are not available or were not evaluated, and the functional significance of this variant is currently unknown. ClinVar contains an entry for this variant (Variation ID: 1385997). This variant has not been reported in the literature in individuals affected with IL6R-related conditions. This variant is present in population databases (rs761872691, gnomAD 0.04%). This sequence change results in a frameshift in the IL6R gene (p.Ser435Alafs*97). While this is not anticipated to result in nonsense mediated decay, it is expected to disrupt the last 34 amino acid(s) of the IL6R protein and extend the protein by 62 additional amino acid residues. In summary, the available evidence is currently insufficient to determine the role of this variant in disease. Therefore, it has been classified as a Variant of Uncertain Significance.

NM_000565.4(IL6R):c.1302del (p.Ser435fs)

Gene: IL6R (interleukin 6 receptor; plus strand). Cytogenetic location: 1q21.3.
Variant type: Deletion.
Coding change: c.1302del on transcript NM_000565.4 (MANE Select); coding-DNA position 1302, one base deleted (C; older notation c.1302delC).
Protein change: p.Ser435fs; shifts the reading frame from serine 435.
Molecular consequence: frameshift variant. On other transcripts: 3 prime UTR variant (2).
Genome position (GRCh38, 1-based): chr1:154,465,275, C deleted; the last of 5 consecutive C bases (chr1:154,465,271-154,465,275); deleting any one gives the same sequence. VCF-style (leftmost placement, unchanged base first): chr1-154465270-TC-T. GRCh37 (hg19) VCF-style: chr1-154437746-TC-T.
Other names: c.1401del, p.Ser468fs (NM_001382769.1); c.1395del, p.Ser466fs (NM_001382770.1); c.1350del, p.Ser451fs (NM_001382771.1); c.1296del, p.Ser433fs (NM_001382772.1); c.*110del (NM_001382773.1, NM_181359.3); c.942del, p.Ser315fs (NM_001382774.1); short protein forms S433fs, S468fs, S435fs, S315fs, S451fs, S466fs.
Identifiers: ClinVar variation 1385997 (VCV001385997.4), dbSNP rs761872691, ClinGen allele CA1129341.
Genomic context (GRCh38, chr1:154,465,270, plus strand): 5'-CTGGTCCCGGAGAGGCCTCGACCCACCCCAGTGCTTGTTCCTCTCATCTCCCCACCGGTG[TC>T]CCCCAGCAGCCTGGGGTCTGACAATACCTCGAGCCACAACCGACCAGATGCCAGGGACCC-3'